The following is an entry in ClinVar:

NM_000038.6(APC):c.6035T>G (p.Phe2012Cys)

Gene: APC (APC regulator of Wnt signaling pathway; plus strand). Cytogenetic location: 5q22.2.
Variant type: single nucleotide variant.
Coding change: c.6035T>G on transcript NM_000038.6 (MANE Select); coding-DNA position 6035, T replaced by G.
Protein change: p.Phe2012Cys; replaces phenylalanine 2012 with cysteine.
Molecular consequence: missense variant. On other transcripts: non-coding transcript variant (2).
Genome position (GRCh38, 1-based): chr5:112,841,629, T>G. VCF-style: chr5-112841629-T-G. GRCh37 (hg19) VCF-style: chr5-112177326-T-G.
Other names: c.6035T>G, p.Phe2012Cys (NM_001127510.3, NM_001354895.2, NM_001407450.1); c.5981T>G, p.Phe1994Cys (NM_001127511.3); c.6089T>G, p.Phe2030Cys (NM_001354896.2, NM_001407447.1, NM_001407448.1 and 1 more transcripts); c.6065T>G, p.Phe2022Cys (NM_001354897.2); c.5960T>G, p.Phe1987Cys (NM_001354898.2); c.5951T>G, p.Phe1984Cys (NM_001354899.2); c.5912T>G, p.Phe1971Cys (NM_001354900.2); c.5858T>G, p.Phe1953Cys (NM_001354901.2, NM_001407453.1); and 11 more; short protein forms F1729C, F1852C, F1921C, F1929C, F2022C, F2030C, F1911C, F1971C.
Identifiers: ClinVar variation 3304392 (VCV003304392.1).

ClinVar aggregate classification (germline): Uncertain significance (1 of 4 stars; one submission).

Conditions:
Hereditary cancer-predisposing syndrome. Also called: Tumor predisposition; Hereditary Cancer Syndrome; Hereditary neoplastic syndrome; Neoplastic Syndromes, Hereditary. Identifiers: Orphanet 140162, MedGen C0027672, MeSH D009386, MONDO:0015356.

Submission:

Ambry Genetics
Classification: Uncertain significance for Hereditary cancer-predisposing syndrome. Last evaluated: 2024-03-30. Review status: criteria provided, single submitter. Criteria: Ambry Variant Classification Scheme 2023. Collection method: clinical testing. Allele origin: germline.
Comment: The p.F2012C variant (also known as c.6035T>G), located in coding exon 15 of the APC gene, results from a T to G substitution at nucleotide position 6035. The phenylalanine at codon 2012 is replaced by cysteine, an amino acid with highly dissimilar properties. This amino acid position is conserved. In addition, in silico predictors for this gene do not accurately predict pathogenicity. Based on the available evidence, the clinical significance of this alteration remains unclear.